The following is an entry in ClinVar:

ClinVar aggregate classification (germline): Pathogenic (1 of 4 stars; one submission).

Conditions:
Combined deficiency of sialidase AND beta galactosidase (GSL). Also called: NEURAMINIDASE DEFICIENCY WITH BETA-GALACTOSIDASE DEFICIENCY; NEURAMINIDASE/BETA-GALACTOSIDASE EXPRESSION; PPCA DEFICIENCY; PROTECTIVE PROTEIN/CATHEPSIN A DEFICIENCY; Galactosialidosis; CATHEPSIN A DEFICIENCY. Identifiers: Orphanet 351, MedGen C0268233, MONDO:0009737, OMIM 256540.

Submission:

Labcorp Genetics (formerly Invitae), Labcorp
Classification: Pathogenic for Combined deficiency of sialidase AND beta galactosidase. Last evaluated: 2023-08-25. Review status: criteria provided, single submitter. Criteria: Invitae Variant Classification Sherloc (09022015). Collection method: clinical testing. Allele origin: germline.
Comment: For these reasons, this variant has been classified as Pathogenic. This sequence change creates a premature translational stop signal (p.Pro104Valfs*7) in the CTSA gene. It is expected to result in an absent or disrupted protein product. Loss-of-function variants in CTSA are known to be pathogenic (PMID: 15110321, 23915561). This variant is not present in population databases (gnomAD no frequency). This variant has not been reported in the literature in individuals affected with CTSA-related conditions.

Literature cited by the submitters: PubMed 15110321; PubMed 23915561.

NM_000308.4(CTSA):c.253_254dup (p.Pro86fs)

Gene: CTSA (cathepsin A; plus strand). Cytogenetic location: 20q13.12.
Variant type: Duplication.
Coding change: c.253_254dup on transcript NM_000308.4 (MANE Select); coding-DNA positions 253 to 254, 2 bases duplicated (GG; older notation c.253_254dupGG).
Protein change: p.Pro86fs; shifts the reading frame from proline 86.
Molecular consequence: frameshift variant. On other transcripts: non-coding transcript variant (1).
Genome position (GRCh38, 1-based): chr20:45,891,974-45,891,975, GG duplicated; duplicating any 2 consecutive bases within chr20:45,891,971-45,891,975 gives the same sequence; the c. name uses the placement nearest the transcript's 3' end. VCF-style (leftmost placement, unchanged base first): chr20-45891970-T-TGG. GRCh37 (hg19) VCF-style: chr20-44520609-T-TGG.
Other names: c.253_254dup, p.Pro86fs (NM_001127695.3, NM_001167594.3); short protein forms P86fs.
Identifiers: ClinVar variation 2755044 (VCV002755044.3), dbSNP rs2515433168, ClinGen allele CA2697547403.
Genomic context (GRCh38, chr20:45,891,970, plus strand): 5'-TCCCAGGTTTGTGGAGTCCCAGAAGGATCCCGAGAACAGCCCTGTGGTGCTTTGGCTCAA[T>TGG]GGGGGTCCCGGCTGCAGCTCACTAGATGGGCTCCTCACAGAGCATGGCCCCTTCCTGGTG-3'